The following is an entry in ClinVar:

NM_000051.4(ATM):c.972del (p.His325fs)

Gene: ATM (ATM serine/threonine kinase; plus strand). Cytogenetic location: 11q22.3.
Variant type: Deletion.
Coding change: c.972del on transcript NM_000051.4 (MANE Select); coding-DNA position 972, one base deleted (T; older notation c.972delT).
Protein change: p.His325fs; shifts the reading frame from histidine 325.
Molecular consequence: frameshift variant.
Genome position (GRCh38, 1-based): chr11:108,247,034, T deleted. VCF-style (leftmost placement, unchanged base first): chr11-108247033-GT-G. GRCh37 (hg19) VCF-style: chr11-108117760-GT-G.
Other names: c.972del, p.His325fs (NM_001351834.2); short protein forms H325fs.
Identifiers: ClinVar variation 4294263 (VCV004294263.1).

ClinVar aggregate classification (germline): Pathogenic (1 of 4 stars; one submission).

Conditions:
Familial cancer of breast. Also called: hereditary breast carcinoma; BREAST CANCER, FAMILIAL; Hereditary breast cancer. Identifiers: Orphanet 227535, MedGen C0346153, MONDO:0016419, OMIM 114480. Disease mechanism: loss of function.

Submission:

Myriad Genetics, Inc.
Classification: Pathogenic for Familial cancer of breast. Last evaluated: 2025-09-03. Review status: criteria provided, single submitter. Criteria: Myriad Autosomal Dominant, Autosomal Recessive and X-Linked Classification Criteria (2023). Collection method: clinical testing. Allele origin: unknown.
Comment: This variant is considered pathogenic. This variant creates a frameshift predicted to result in premature protein truncation.